The following is an entry in ClinVar:

ClinVar aggregate classification (germline): Uncertain significance. Review status: criteria provided, multiple submitters, no conflicts (2 of 4 stars). 3 submissions from 3 submitters: Uncertain significance (3). Last evaluated 2026-03-22.

Conditions:
VWF-related disorder. Also called: VWF-related disorders; VWF-related condition.

gnomAD v4.1: 44 of 1,614,108 alleles (0.0027%); highest among the groups gnomAD compares: African/African-American, 0.053%; 1 homozygote.

Submissions (3):

PreventionGenetics, part of Exact Sciences
Classification: Uncertain significance for VWF-related condition. Last evaluated: 2026-03-22. Review status: criteria provided, single submitter. Criteria: ACMG Guidelines, 2015. Collection method: clinical testing. Allele origin: germline.
Comment: The VWF c.2513C>T variant is predicted to result in the amino acid substitution p.Pro838Leu. To our knowledge, this variant has not been reported in the literature. This variant is reported in 0.040% of alleles in individuals of African descent in gnomAD. At this time, the clinical significance of this variant is uncertain due to the absence of conclusive functional and genetic evidence.

Women's Health and Genetics/Laboratory Corporation of America, LabCorp
Classification: Uncertain significance. Last evaluated: 2024-10-11. Review status: criteria provided, single submitter. Criteria: LabCorp Variant Classification Summary - May 2015. Collection method: clinical testing. Allele origin: germline.
Comment: Variant summary: VWF c.2513C>T (p.Pro838Leu) results in a non-conservative amino acid change located in a von Willebrand factor (VWF) type C repeat (VWFC) domain (IPR001007) in the encoded protein sequence. Three of five in-silico tools predict a damaging effect of the variant on protein function. The variant allele was found at a frequency of 2.7e-05 in 1607114 control chromosomes, predominantly at a frequency of 0.00053 within the African or African-American subpopulation in the gnomAD database (v4.1 dataset), including 1 homozygote. This frequency is not significantly higher than estimated for a pathogenic variant in VWF causing Von Willebrand Disease, allowing no conclusion about variant significance. To our knowledge, no occurrence of c.2513C>T in individuals affected with Von Willebrand Disease and no experimental evidence demonstrating its impact on protein function have been reported. No submitters have cited clinical-significance assessments for this variant to ClinVar. Based on the evidence outlined above, the variant was classified as uncertain significance.

ARUP Laboratories, Molecular Genetics and Genomics, ARUP Laboratories
Classification: Uncertain significance. Last evaluated: 2024-09-24. Review status: criteria provided, single submitter. Criteria: ARUP Molecular Germline Variant Investigation Process 2024. Collection method: clinical testing. Allele origin: germline.
Comment: The VWF c.2513C>T; p.Pro838Leu variant (rs149520234), to our knowledge, is not reported in the medical literature or gene specific databases. This variant is observed in the general population with an overall allele frequency of 0.004% (10/282874 alleles) in the Genome Aggregation Database (v2.1.1). Computational analyses are uncertain whether this variant is neutral or deleterious (REVEL: 0.275). Due to limited information, the clinical significance of this variant is uncertain at this time.

NM_000552.5(VWF):c.2513C>T (p.Pro838Leu)

Gene: VWF (von Willebrand factor; minus strand). Cytogenetic location: 12p13.31.
Variant type: single nucleotide variant.
Coding change: c.2513C>T on transcript NM_000552.5 (MANE Select); coding-DNA position 2513, C replaced by T.
Protein change: p.Pro838Leu; replaces proline 838 with leucine.
Molecular consequence: missense variant.
Genome position (GRCh38, 1-based): chr12:6,036,421, G>A on the plus strand (C>T on the coding strand, the complement: VWF is on the minus strand). VCF-style: chr12-6036421-G-A. GRCh37 (hg19) VCF-style: chr12-6145587-G-A.
Other names: c.2513C>T (NM_000552.4); short protein forms P838L.
Identifiers: ClinVar variation 3384763 (VCV003384763.3).